The following is an entry in ClinVar:

ClinVar aggregate classification (germline): Uncertain significance. Review status: criteria provided, multiple submitters, no conflicts (2 of 4 stars). 2 submissions from 2 submitters: Uncertain significance (2). Last evaluated 2024-11-24.

Conditions:
Inborn genetic diseases. Identifiers: MedGen C0950123, MeSH D030342.

Allele frequency attached by ClinVar (database versions not stated): ExAC 0.00001.

Submissions (2):

Ambry Genetics
Classification: Uncertain significance for Inborn genetic diseases. Last evaluated: 2024-11-24. Review status: criteria provided, single submitter. Criteria: Ambry Variant Classification Scheme 2023. Collection method: clinical testing. Allele origin: germline.

Labcorp Genetics (formerly Invitae), Labcorp
Classification: Uncertain significance. Last evaluated: 2024-01-23. Review status: criteria provided, single submitter. Criteria: Invitae Variant Classification Sherloc (09022015). Collection method: clinical testing. Allele origin: germline.
Comment: This sequence change replaces aspartic acid, which is acidic and polar, with asparagine, which is neutral and polar, at codon 676 of the STT3A protein (p.Asp676Asn). This variant is present in population databases (rs763378764, gnomAD no frequency). This variant has not been reported in the literature in individuals affected with STT3A-related conditions. An algorithm developed to predict the effect of missense changes on protein structure and function (PolyPhen-2) suggests that this variant is likely to be tolerated. In summary, the available evidence is currently insufficient to determine the role of this variant in disease. Therefore, it has been classified as a Variant of Uncertain Significance.

NM_152713.5(STT3A):c.2026G>A (p.Asp676Asn)

Gene: STT3A (STT3 oligosaccharyltransferase complex catalytic subunit A; plus strand). Cytogenetic location: 11q24.2.
Variant type: single nucleotide variant.
Coding change: c.2026G>A on transcript NM_152713.5 (MANE Select); coding-DNA position 2026, G replaced by A.
Protein change: p.Asp676Asn; replaces aspartic acid 676 with asparagine.
Molecular consequence: missense variant.
Genome position (GRCh38, 1-based): chr11:125,620,073, G>A. VCF-style: chr11-125620073-G-A. GRCh37 (hg19) VCF-style: chr11-125489968-G-A.
Other names: c.2026G>A (NM_152713.3); c.2026G>A, p.Asp676Asn (NM_001278503.2); c.1750G>A, p.Asp584Asn (NM_001278504.2); short protein forms D584N, D676N.
Identifiers: ClinVar variation 2776714 (VCV002776714.4), dbSNP rs763378764, ClinGen allele CA6349211.